The following is an entry in ClinVar:

NM_001172509.2(SATB2):c.368G>A (p.Trp123Ter)

Gene: SATB2 (SATB homeobox 2; minus strand). Cytogenetic location: 2q33.1.
Variant type: single nucleotide variant.
Coding change: c.368G>A on transcript NM_001172509.2 (MANE Select); coding-DNA position 368, G replaced by A.
Protein change: p.Trp123Ter; replaces tryptophan 123 with a stop codon.
Molecular consequence: nonsense.
Genome position (GRCh38, 1-based): chr2:199,381,799, C>T on the plus strand (G>A on the coding strand, the complement: SATB2 is on the minus strand). VCF-style: chr2-199381799-C-T. GRCh37 (hg19) VCF-style: chr2-200246522-C-T.
Other names: c.368G>A, p.Trp123Ter (NM_001172517.1, NM_015265.4); short protein forms W123*.
Identifiers: ClinVar variation 3050676 (VCV003050676.4), dbSNP rs2468949035, ClinGen allele CA350389260.

ClinVar aggregate classification (germline): Pathogenic. Review status: criteria provided, multiple submitters, no conflicts (2 of 4 stars). 3 submissions from 3 submitters: Pathogenic (2). 1 of the submissions does not count toward it. Last evaluated 2026-01-22.

Conditions:
SATB2-related disorder. Also called: SATB2-related condition.
Inborn genetic diseases. Identifiers: MedGen C0950123, MeSH D030342.

Submissions (3):

Ambry Genetics
Classification: Pathogenic for Inborn genetic diseases. Last evaluated: 2026-01-22. Review status: criteria provided, single submitter. Criteria: Ambry Variant Classification Scheme 2023. Collection method: clinical testing. Allele origin: germline.
Comment: The c.368G>A (p.W123*) alteration, located in exon 5 (coding exon 3) of the SATB2 gene, consists of a G to A substitution at nucleotide position 368. This changes the amino acid from a tryptophan (W) to a stop codon at amino acid position 123. This alteration is expected to result in loss of function by premature protein truncation or nonsense-mediated mRNA decay. This variant was not reported in population-based cohorts in the Genome Aggregation Database (gnomAD). Based on the available evidence, this alteration is classified as pathogenic.

GeneDx
Classification: Pathogenic. Last evaluated: 2024-07-15. Review status: criteria provided, single submitter. Criteria: GeneDx Variant Classification Process June 2021. Collection method: clinical testing. Allele origin: germline. Affected: yes.
Comment: Nonsense variant predicted to result in protein truncation or nonsense mediated decay in a gene for which loss of function is a known mechanism of disease; Not observed at significant frequency in large population cohorts (gnomAD); Has not been previously published as pathogenic or benign to our knowledge

PreventionGenetics, part of Exact Sciences
Classification: Likely pathogenic for SATB2-related condition. Last evaluated: 2023-10-20. Review status: no assertion criteria provided. Collection method: clinical testing. Allele origin: germline. Not counted in ClinVar's aggregate classification.
Comment: The SATB2 c.368G>A variant is predicted to result in premature protein termination (p.Trp123*). To our knowledge, this variant has not been reported in the literature or in a large population database, indicating this variant is rare. Nonsense variants in SATB2 are expected to be pathogenic. This variant is interpreted as likely pathogenic.